The following is an entry in ClinVar:

NM_016169.4(SUFU):c.750C>A (p.His250Gln)

Gene: SUFU (SUFU negative regulator of hedgehog signaling; plus strand). Cytogenetic location: 10q24.32.
Variant type: single nucleotide variant.
Coding change: c.750C>A on transcript NM_016169.4 (MANE Select); coding-DNA position 750, C replaced by A.
Protein change: p.His250Gln; replaces histidine 250 with glutamine.
Molecular consequence: missense variant.
Genome position (GRCh38, 1-based): chr10:102,594,059, C>A. VCF-style: chr10-102594059-C-A. GRCh37 (hg19) VCF-style: chr10-104353816-C-A.
Other names: c.750C>A, p.His250Gln (NM_001178133.2); short protein forms H250Q.
Identifiers: ClinVar variation 453977 (VCV000453977.18), dbSNP rs1235137905, ClinGen allele CA377909937.
Genomic context (GRCh38, chr10:102,594,059, plus strand): 5'-CGGCCCCTGGCTGATAACTGACATGCGGAGGGGAGAGACCATATTTGAGATCGATCCACA[C>A]CTGCAAGTATGTCTTGAGTGAGGAAAACCTTTCTAGCACCCTGTGCCTAGGCCTCTTCCA-3'
Protein context (NP_057253.2, residues 240-260): RGETIFEIDP[His250Gln]LQERVDKGIE

ClinVar aggregate classification (germline): Uncertain significance. Review status: criteria provided, multiple submitters, no conflicts (2 of 4 stars). 3 submissions from 3 submitters: Uncertain significance (3). Last evaluated 2025-11-16.

Conditions:
Hereditary cancer-predisposing syndrome. Also called: Hereditary Cancer Syndrome; Hereditary neoplastic syndrome; Tumor predisposition; Neoplastic Syndromes, Hereditary. Identifiers: Orphanet 140162, MedGen C0027672, MeSH D009386, MONDO:0015356.
Gorlin syndrome. Also called: Basal cell nevus syndrome; Nevoid Basal Cell Carcinoma Syndrome. Identifiers: Orphanet 377, MedGen C0004779, MONDO:0007187.
Medulloblastoma (MDB). Also called: Medulloblastoma, somatic; MEDULLOBLASTOMA PREDISPOSITION SYNDROME. Identifiers: Orphanet 616, MedGen C0025149, MeSH D008527, MONDO:0007959, OMIM 155255, HP:0002885.
Joubert syndrome 32 (JBTS32). Identifiers: MedGen C4540342, MONDO:0033309, OMIM 617757.

Allele frequency attached by ClinVar (database versions not stated): gnomAD exomes below 0.00001; gnomAD 0.00001.
gnomAD v4.1: 3 of 1,613,968 alleles (0.00019%); highest among the groups gnomAD compares: Admixed American, 0.005%; no homozygotes.

Submissions (3):

Ambry Genetics
Classification: Uncertain significance for Hereditary cancer-predisposing syndrome. Last evaluated: 2025-11-16. Review status: criteria provided, single submitter. Criteria: Ambry Variant Classification Scheme 2023. Collection method: clinical testing. Allele origin: germline.
Comment: The p.H250Q variant (also known as c.750C>A), located in coding exon 6 of the SUFU gene, results from a C to A substitution at nucleotide position 750. The histidine at codon 250 is replaced by glutamine, an amino acid with highly similar properties. This amino acid position is highly conserved in available vertebrate species. In addition, the in silico prediction for this alteration is inconclusive. Since supporting evidence is limited at this time, the clinical significance of this alteration remains unclear.

Labcorp Genetics (formerly Invitae), Labcorp
Classification: Uncertain significance for Gorlin syndrome; Medulloblastoma. Last evaluated: 2024-08-28. Review status: criteria provided, single submitter. Criteria: Invitae Variant Classification Sherloc (09022015). Collection method: clinical testing. Allele origin: germline.
Comment: This sequence change replaces histidine, which is basic and polar, with glutamine, which is neutral and polar, at codon 250 of the SUFU protein (p.His250Gln). This variant is present in population databases (no rsID available, gnomAD 0.009%). This variant has not been reported in the literature in individuals affected with SUFU-related conditions. ClinVar contains an entry for this variant (Variation ID: 453977). Invitae Evidence Modeling of protein sequence and biophysical properties (such as structural, functional, and spatial information, amino acid conservation, physicochemical variation, residue mobility, and thermodynamic stability) indicates that this missense variant is not expected to disrupt SUFU protein function with a negative predictive value of 80%. In summary, the available evidence is currently insufficient to determine the role of this variant in disease. Therefore, it has been classified as a Variant of Uncertain Significance.

Knight Diagnostic Laboratories, Oregon Health and Sciences University
Classification: Uncertain significance for Joubert syndrome 32. Last evaluated: 2019-06-19. Review status: criteria provided, single submitter. Criteria: ACMG Guidelines, 2015. Collection method: clinical testing. Allele origin: germline. Observed: 1 variant allele.